The following is an entry in ClinVar:

NM_005633.4(SOS1):c.919T>A (p.Phe307Ile)

Gene: SOS1 (SOS Ras/Rac guanine nucleotide exchange factor 1; minus strand). Cytogenetic location: 2p22.1.
Variant type: single nucleotide variant.
Coding change: c.919T>A on transcript NM_005633.4 (MANE Select); coding-DNA position 919, T replaced by A.
Protein change: p.Phe307Ile; replaces phenylalanine 307 with isoleucine.
Molecular consequence: missense variant.
Genome position (GRCh38, 1-based): chr2:39,035,446, A>T on the plus strand (T>A on the coding strand, the complement: SOS1 is on the minus strand). VCF-style: chr2-39035446-A-T. GRCh37 (hg19) VCF-style: chr2-39262587-A-T.
Other names: c.898T>A, p.Phe300Ile (NM_001382394.1); c.919T>A, p.Phe307Ile (NM_001382395.1); short protein forms F307I, F300I.
Identifiers: ClinVar variation 851989 (VCV000851989.10), dbSNP rs1670310935, ClinGen allele CA346367409.

ClinVar aggregate classification (germline): Uncertain significance. Review status: criteria provided, multiple submitters, no conflicts (2 of 4 stars). 2 submissions from 2 submitters: Uncertain significance (2). Last evaluated 2024-10-08.

Conditions:
Cardiovascular phenotype. Identifiers: MedGen CN230736.
RASopathy. Also called: rasopathies; Noonan spectrum disorder. Identifiers: Orphanet 536391, MedGen C5555857, MONDO:0021060.

Submissions (2):

Ambry Genetics
Classification: Uncertain significance for Cardiovascular phenotype. Last evaluated: 2024-10-08. Review status: criteria provided, single submitter. Criteria: Ambry Variant Classification Scheme 2023. Collection method: clinical testing. Allele origin: germline.
Comment: The p.F307I variant (also known as c.919T>A), located in coding exon 7 of the SOS1 gene, results from a T to A substitution at nucleotide position 919. The phenylalanine at codon 307 is replaced by isoleucine, an amino acid with highly similar properties. This amino acid position is conserved. In addition, the in silico prediction for this alteration is inconclusive. Based on the available evidence, the clinical significance of this variant remains unclear.

Labcorp Genetics (formerly Invitae), Labcorp
Classification: Uncertain significance for RASopathy. Last evaluated: 2019-05-03. Review status: criteria provided, single submitter. Criteria: Invitae Variant Classification Sherloc (09022015). Collection method: clinical testing. Allele origin: germline.
Comment: In summary, the available evidence is currently insufficient to determine the role of this variant in disease. Therefore, it has been classified as a Variant of Uncertain Significance. Algorithms developed to predict the effect of missense changes on protein structure and function are either unavailable or do not agree on the potential impact of this missense change (SIFT: "Tolerated"; PolyPhen-2: "Possibly Damaging"; Align-GVGD: "Class C0"). This variant has not been reported in the literature in individuals with SOS1-related conditions. This variant is not present in population databases (ExAC no frequency). This sequence change replaces phenylalanine with isoleucine at codon 307 of the SOS1 protein (p.Phe307Ile). The phenylalanine residue is moderately conserved and there is a small physicochemical difference between phenylalanine and isoleucine.